The following is an entry in ClinVar:

NM_002878.4(RAD51D):c.917_924del (p.Gln306fs)

Genes: RAD51L3-RFFL (RAD51L3-RFFL readthrough; minus strand), RAD51D (RAD51 paralog D; minus strand). Cytogenetic location: 17q12.
Variant type: Deletion.
Coding change: c.917_924del on transcript NM_002878.4 (MANE Select); coding-DNA positions 917 to 924, 8 bases deleted (AGGAGATG; older notation c.917_924delAGGAGATG).
Protein change: p.Gln306fs; shifts the reading frame from glutamine 306.
Molecular consequence: frameshift variant. On other transcripts: non-coding transcript variant (2).
Genome position (GRCh38, 1-based): chr17:35,101,016-35,101,023, CATCTCCT deleted on the plus strand (AGGAGATG on the coding strand, the reverse complement: RAD51D is on the minus strand). VCF-style (leftmost placement, unchanged base first): chr17-35101015-CCATCTCCT-C. GRCh37 (hg19) VCF-style: chr17-33428034-CCATCTCCT-C.
Other names: c.977_984del, p.Gln326fs (NM_001142571.2); c.581_588del, p.Gln194fs (NM_133629.3); short protein forms Q306fs, Q326fs, Q194fs.
Identifiers: ClinVar variation 2122542 (VCV002122542.4), dbSNP rs2509123121, ClinGen allele CA2580093434.
Genomic context (GRCh38, chr17:35,101,015, plus strand): 5'-ATGTCTGATCACCCTGTAATGTGGCACTCTGCTCTGAGGTCCCCCAGGTCCCAATGTCTA[CCATCTCCT>C]GGAAACCTGTTGGCTGGAAGAAGAAGTAAGGAGTCAGTGGAGTTAAGCAACCCAAGTGGG-3'

ClinVar aggregate classification (germline): Uncertain significance (1 of 4 stars; one submission).

Conditions:
Breast-ovarian cancer, familial, susceptibility to, 4. Identifiers: Orphanet 145, MedGen C3280345, MONDO:0013669, OMIM 614291.

Submission:

Labcorp Genetics (formerly Invitae), Labcorp
Classification: Uncertain significance for Breast-ovarian cancer, familial, susceptibility to, 4. Last evaluated: 2021-11-22. Review status: criteria provided, single submitter. Criteria: Invitae Variant Classification Sherloc (09022015). Collection method: clinical testing. Allele origin: germline.
Comment: Experimental studies and prediction algorithms are not available or were not evaluated, and the functional significance of this variant is currently unknown. In summary, the available evidence is currently insufficient to determine the role of this variant in disease. Therefore, it has been classified as a Variant of Uncertain Significance. This variant has not been reported in the literature in individuals affected with RAD51D-related conditions. This sequence change creates a premature translational stop signal (p.Gln306Argfs*18) in the RAD51D gene. While this is not anticipated to result in nonsense mediated decay, it is expected to disrupt the last 23 amino acid(s) of the RAD51D protein. This variant is not present in population databases (gnomAD no frequency).